The following is an entry in ClinVar:

NM_000155.4(GALT):c.803C>A (p.Thr268Asn)

Gene: GALT (galactose-1-phosphate uridylyltransferase; plus strand). Cytogenetic location: 9p13.3.
Variant type: single nucleotide variant.
Coding change: c.803C>A on transcript NM_000155.4 (MANE Select); coding-DNA position 803, C replaced by A.
Protein change: p.Thr268Asn; replaces threonine 268 with asparagine.
Molecular consequence: missense variant.
Genome position (GRCh38, 1-based): chr9:34,648,877, C>A. VCF-style: chr9-34648877-C-A. GRCh37 (hg19) VCF-style: chr9-34648874-C-A.
Other names: NM_000155.4(GALT):c.803C>A; p.Thr268Asn; c.476C>A, p.Thr159Asn (NM_001258332.2); short protein forms T159N.
Identifiers: ClinVar variation 2195720 (VCV002195720.2), dbSNP rs111033847, ClinGen allele CA259504.

ClinVar aggregate classification (germline): Likely benign. Review status: reviewed by expert panel (3 of 4 stars). 2 submissions from 2 submitters: Likely benign (1). 1 of the submissions does not count toward it. Last evaluated 2026-06-09.

Conditions:
Deficiency of UDPglucose-hexose-1-phosphate uridylyltransferase. Also called: GALACTOSE-1-PHOSPHATE URIDYLYLTRANSFERASE DEFICIENCY; Transferase Deficiency Galactosemia; GALT deficiency; Galactosemia, classic; GALACTOSEMIA I. Identifiers: Orphanet 352, Orphanet 79239, MedGen C0268151, MONDO:0009258, OMIM 230400.
Galactosemia. Also called: Galactose intolerance. Identifiers: Orphanet 352, MedGen C0016952, MONDO:0018116, HP:0004919. Disease mechanism: loss of function.

Allele frequency attached by ClinVar (database versions not stated): gnomAD 0.00001; TOPMed 0.00001 and 0.00002; gnomAD exomes 0.00002; ExAC 0.00003.
gnomAD v4.1: 31 of 1,613,140 alleles (0.0019%); highest among the groups gnomAD compares: African/African-American, 0.0027%; no homozygotes.

Submissions (2):

Clingen Galactosemia Variant Curation Expert Panel, ClinGen
Classification: Likely benign for Galactosemia. Last evaluated: 2026-06-09. Review status: reviewed by expert panel. Criteria: ClinGen Galactosemia ACMG Specifications GALT V1.1. Collection method: curation. Allele origin: germline. Inheritance: Autosomal recessive inheritance.
Comment: The c.803C>A variant in GALT is a missense variant predicted to cause substitution of threonine by asparagine at amino acid 268 (p.Thr268Asn). The filtering allele frequency (the upper threshold of the 95% CI of 25/1180026) of the c.803C>A variant in GALT is 0.00001454 for European Non-Finnish chromosomes by gnomAD v4.1.0, which is lower than the ClinGen Galactosemia threshold (≤0.0005) for PM2_Supporting, and therefore meets this criterion (PM2_Supporting). The computational predictor REVEL gives a score of 0.588, which is neither above nor below the thresholds predicting a damaging or benign impact on GALT. This variant has been reported in an unaffected sibling and mother of a proband, in trans with GALT variants R204X and K285N, respectively. The sibling and mother had GALT activity in the carrier range (PMID: 18210213) (BP2). When expressed in null-background yeast system as homozygous, T268N-hGALT demonstrated activity and abundance levels comparable to wild type, indicating that this variant does not impact protein function (PMID: 18210213)(BS3_Supporting). In summary, this variant meets the criteria to be classified as likely benign for galactosemia based on the ACMG/AMP criteria applied, as specified by the ClinGen Galactosemia VCEP: BS3_Supporting, BP2, PM2_Supporting (GALT pilot specifications version 1.0).

Labcorp Genetics (formerly Invitae), Labcorp
Classification: Uncertain significance for Deficiency of UDPglucose-hexose-1-phosphate uridylyltransferase. Last evaluated: 2022-01-07. Review status: criteria provided, single submitter. Criteria: Invitae Variant Classification Sherloc (09022015). Collection method: clinical testing. Allele origin: germline. Not counted in ClinVar's aggregate classification.
Comment: This sequence change replaces threonine, which is neutral and polar, with asparagine, which is neutral and polar, at codon 268 of the GALT protein (p.Thr268Asn). This variant is present in population databases (rs111033847, gnomAD 0.004%). This missense change has been observed in individual(s) with clinical features of GALT-related conditions (PMID: 18210213). Advanced modeling of protein sequence and biophysical properties (such as structural, functional, and spatial information, amino acid conservation, physicochemical variation, residue mobility, and thermodynamic stability) performed at Invitae indicates that this missense variant is expected to disrupt GALT protein function. In summary, the available evidence is currently insufficient to determine the role of this variant in disease. Therefore, it has been classified as a Variant of Uncertain Significance.

Literature cited by the submitters: PubMed 18210213 (cited by Labcorp Genetics (formerly Invitae), Labcorp).